The following is an entry in ClinVar:

NM_001267550.2(TTN):c.97193-3T>C

Genes: TTN (titin; minus strand), TTN-AS1 (TTN antisense RNA 1; plus strand). Cytogenetic location: 2q31.2.
Variant type: single nucleotide variant.
Coding change: c.97193-3T>C on transcript NM_001267550.2 (MANE Select); 3 bases into the intron before coding-DNA position 97193, T replaced by C.
Molecular consequence: intron variant.
Genome position (GRCh38, 1-based): chr2:178,542,566, A>G on the plus strand (T>C on the coding strand, the complement: TTN is on the minus strand). VCF-style: chr2-178542566-A-G. GRCh37 (hg19) VCF-style: chr2-179407293-A-G.
Other names: c.69998-3T>C (NM_003319.4); c.70574-3T>C (NM_133437.4); c.70373-3T>C (NM_133432.3); c.89489-3T>C (NM_133378.4); c.92270-3T>C (NM_001256850.1).
Identifiers: ClinVar variation 1756498 (VCV001756498.4), dbSNP rs757395872, ClinGen allele CA1986598.
Genomic context (GRCh38, chr2:178,542,566, plus strand): 5'-ATTGATGTAGCATCAATTTCATCAATCTTAATAGGTCCTGTTGGTGGACCAGGCTTGTCT[A>G]TGAAAGAGAAGAAATACAGGAAATTAATTTTTACTTCAAATCAAAATTGGGTGACTGAAC-3'

ClinVar aggregate classification (germline): Conflicting classifications of pathogenicity. Review status: criteria provided, conflicting classifications (1 of 4 stars). 3 submissions from 3 submitters: Uncertain significance (2); Likely benign (1). Last evaluated 2025-12-03.

Conditions:
TTN-related disorder. Also called: TTN-related disorders; TTN-related condition; TTN-related disease.
Cardiovascular phenotype. Identifiers: MedGen CN230736.

Allele frequency attached by ClinVar (database versions not stated): TOPMed below 0.00001; gnomAD 0.00001; ExAC 0.00003; gnomAD exomes 0.00003.
gnomAD v4.1: 45 of 1,596,442 alleles (0.0028%); highest among the groups gnomAD compares: South Asian, 0.048%; no homozygotes.

Submissions (3):

PreventionGenetics, part of Exact Sciences
Classification: Likely benign for TTN-related condition. Last evaluated: 2025-12-03. Review status: criteria provided, single submitter. Criteria: ACMG Guidelines, 2015. Collection method: clinical testing. Allele origin: germline.
Comment: This variant is classified as likely benign based on ACMG/AMP sequence variant interpretation guidelines (Richards et al. 2015 PMID: 25741868, with internal and published modifications).

Revvity Omics, Revvity
Classification: Uncertain significance. Last evaluated: 2024-06-26. Review status: criteria provided, single submitter. Criteria: ACMG Guidelines, 2015. Collection method: clinical testing. Allele origin: germline.

Ambry Genetics
Classification: Uncertain significance for Cardiovascular phenotype. Last evaluated: 2022-01-06. Review status: criteria provided, single submitter. Criteria: Ambry Variant Classification Scheme 2023. Collection method: clinical testing. Allele origin: germline.
Comment: The c.69998-3T>C intronic variant results from a T to C substitution 3 nucleotides upstream from coding exon 176 in the TTN gene. This nucleotide position is poorly conserved in available vertebrate species. In silico splice site analysis predicts that this alteration will not have any significant effect on splicing. Since supporting evidence is limited at this time, the clinical significance of this alteration remains unclear.